The following is an entry in ClinVar:

NM_003079.5(SMARCE1):c.714+1G>A

Gene: SMARCE1 (SWI/SNF related BAF chromatin remodeling complex subunit E1; minus strand). Cytogenetic location: 17q21.2.
Variant type: single nucleotide variant.
Coding change: c.714+1G>A on transcript NM_003079.5 (MANE Select); the canonical splice donor site of the intron after coding-DNA position 714, G replaced by A.
Molecular consequence: splice donor variant.
Genome position (GRCh38, 1-based): chr17:40,632,194, C>T on the plus strand (G>A on the coding strand, the complement: SMARCE1 is on the minus strand). VCF-style: chr17-40632194-C-T. GRCh37 (hg19) VCF-style: chr17-38788446-C-T.
Identifiers: ClinVar variation 1067361 (VCV001067361.7), dbSNP rs2143988221, ClinGen allele CA399364529.

ClinVar aggregate classification (germline): Likely pathogenic (1 of 4 stars; one submission).

Conditions:
Familial meningioma. Also called: Meningioma, familial, susceptibility to. Identifiers: Orphanet 263662, MedGen C3551915, MONDO:0011789, OMIM 607174.

Submission:

Labcorp Genetics (formerly Invitae), Labcorp
Classification: Likely pathogenic for Familial meningioma. Last evaluated: 2020-05-25. Review status: criteria provided, single submitter. Criteria: Invitae Variant Classification Sherloc (09022015). Collection method: clinical testing. Allele origin: germline.
Comment: In summary, the currently available evidence indicates that the variant is pathogenic, but additional data are needed to prove that conclusively. Therefore, this variant has been classified as Likely Pathogenic. Donor and acceptor splice site variants typically lead to a loss of protein function (PMID: 16199547), and loss-of-function variants in SMARCE1 are known to be pathogenic (PMID: 23377182). Algorithms developed to predict the effect of sequence changes on RNA splicing suggest that this variant may disrupt the consensus splice site, but this prediction has not been confirmed by published transcriptional studies. This variant has not been reported in the literature in individuals with SMARCE1-related conditions. This variant is not present in population databases (ExAC no frequency). This sequence change affects a donor splice site in intron 8 of the SMARCE1 gene. It is expected to disrupt RNA splicing and likely results in an absent or disrupted protein product.

Literature cited by the submitters: PubMed 16199547; PubMed 23377182.